The following is an entry in ClinVar:

NM_001698.3(AUH):c.270G>A (p.Val90=)

Gene: AUH (AU RNA binding methylglutaconyl-CoA hydratase; minus strand). Cytogenetic location: 9q22.31.
Variant type: single nucleotide variant.
Coding change: c.270G>A on transcript NM_001698.3 (MANE Select); coding-DNA position 270, G replaced by A.
Protein change: p.Val90=; no amino-acid change (valine 90 retained).
Molecular consequence: synonymous variant. On other transcripts: 5 prime UTR variant (3).
Genome position (GRCh38, 1-based): chr9:91,356,148, C>T on the plus strand (G>A on the coding strand, the complement: AUH is on the minus strand). VCF-style: chr9-91356148-C-T. GRCh37 (hg19) VCF-style: chr9-94118430-C-T.
Other names: c.270G>A, p.Val90= (NM_001306190.2); c.-58G>A (NM_001351431.2, NM_001351432.2, NM_001351433.2).
Identifiers: ClinVar variation 4999877 (VCV004999877.1).

ClinVar aggregate classification (germline): Likely benign (1 of 4 stars; one submission).

Conditions:
AUH-related disorder. Also called: AUH-related condition.

Submission:

PreventionGenetics, part of Exact Sciences
Classification: Likely benign for AUH-related condition. Last evaluated: 2025-05-06. Review status: criteria provided, single submitter. Criteria: ACMG Guidelines, 2015. Collection method: clinical testing. Allele origin: germline.
Comment: This variant is classified as likely benign based on ACMG/AMP sequence variant interpretation guidelines (Richards et al. 2015 PMID: 25741868, with internal and published modifications).